The following is an entry in ClinVar:

ClinVar aggregate classification (germline): Pathogenic (1 of 4 stars; one submission).

Conditions:
PHGDH deficiency. Identifiers: Orphanet 79351, MedGen C1866174, MONDO:0011152, OMIM 601815.

Submission:

Labcorp Genetics (formerly Invitae), Labcorp
Classification: Pathogenic for PHGDH deficiency. Last evaluated: 2019-10-11. Review status: criteria provided, single submitter. Criteria: Invitae Variant Classification Sherloc (09022015). Collection method: clinical testing. Allele origin: germline.
Comment: For these reasons, this variant has been classified as Pathogenic. Loss-of-function variants in PHGDH are known to be pathogenic (PMID: 14645240, 24836451). This variant has not been reported in the literature in individuals with PHGDH-related conditions. This variant is not present in population databases (ExAC no frequency). This sequence change creates a premature translational stop signal (p.Thr221Leufs*55) in the PHGDH gene. It is expected to result in an absent or disrupted protein product.

Literature cited by the submitters: PubMed 14645240; PubMed 24836451.

NM_006623.4(PHGDH):c.661_662del (p.Thr221fs)

Gene: PHGDH (phosphoglycerate dehydrogenase; plus strand). Cytogenetic location: 1p12.
Variant type: Microsatellite.
Coding change: c.661_662del on transcript NM_006623.4 (MANE Select); coding-DNA positions 661 to 662, 2 bases deleted (AC; older notation c.661_662delAC).
Protein change: p.Thr221fs; shifts the reading frame from threonine 221.
Molecular consequence: frameshift variant.
Genome position (GRCh38, 1-based): chr1:119,735,312-119,735,313, AC deleted; deleting any 2 consecutive bases within chr1:119,735,310-119,735,313 gives the same sequence; the c. name uses the placement nearest the transcript's 3' end. VCF-style (leftmost placement, unchanged base first): chr1-119735309-AAC-A. GRCh37 (hg19) VCF-style: chr1-120277932-AAC-A.
Other names: short protein forms T221fs.
Identifiers: ClinVar variation 970167 (VCV000970167.7), dbSNP rs1651881638, ClinGen allele CA1192432798.
Genomic context (GRCh38, chr1:119,735,309, plus strand): 5'-GGATCCTGGTGCTGCCCCAGCAGGAAGATGCTTCGCTTTCTTCCAGGCTTGCTGAATGAC[AAC>A]ACCTTTGCCCAGTGCAAGAAGGGGGTGCGTGTGGTGAACTGTGCCCGTGGAGGGATCGTG-3'